The following is an entry in ClinVar:

NM_007103.4(NDUFV1):c.541C>G (p.Leu181Val)

Gene: NDUFV1 (NADH:ubiquinone oxidoreductase core subunit V1; plus strand). Cytogenetic location: 11q13.2.
Variant type: single nucleotide variant.
Coding change: c.541C>G on transcript NM_007103.4 (MANE Select); coding-DNA position 541, C replaced by G.
Protein change: p.Leu181Val; replaces leucine 181 with valine.
Molecular consequence: missense variant.
Genome position (GRCh38, 1-based): chr11:67,610,411, C>G. VCF-style: chr11-67610411-C-G. GRCh37 (hg19) VCF-style: chr11-67377882-C-G.
Other names: c.514C>G, p.Leu172Val (NM_001166102.2); short protein forms L172V, L181V.
Identifiers: ClinVar variation 1801130 (VCV001801130.1), dbSNP rs1413172141, ClinGen allele CA381536560.

ClinVar aggregate classification (germline): Uncertain significance (1 of 4 stars; one submission).

Allele frequency attached by ClinVar (database versions not stated): TOPMed below 0.00001.
gnomAD v4.1: 2 of 1,614,144 alleles (0.00012%); highest among the groups gnomAD compares: Non-Finnish European, 0.00017%; no homozygotes.

Submission:

GeneDx
Classification: Uncertain significance. Last evaluated: 2022-05-26. Review status: criteria provided, single submitter. Criteria: GeneDx Variant Classification Process June 2021. Collection method: clinical testing. Allele origin: germline. Affected: yes.
Comment: Not observed at significant frequency in large population cohorts (gnomAD); In silico analysis supports that this missense variant does not alter protein structure/function; Has not been previously published as pathogenic or benign to our knowledge